The following is an entry in ClinVar:

ClinVar aggregate classification (germline): Uncertain significance. Review status: criteria provided, multiple submitters, no conflicts (2 of 4 stars). 2 submissions from 2 submitters: Uncertain significance (2). Last evaluated 2025-11-10.

Conditions:
Hypertrophic cardiomyopathy 26. Also called: Cardiomyopathy, familial hypertrophic, 26. Identifiers: Orphanet 75249, MedGen C4310749, MONDO:0014883, OMIM 617047.
Myofibrillar myopathy 5. Also called: Filaminopathy (type); FILAMINOPATHY, AUTOSOMAL DOMINANT. Identifiers: Orphanet 171445, MedGen C1836050, MONDO:0012289, OMIM 609524.
Distal myopathy with posterior leg and anterior hand involvement. Also called: WILLIAMS DISTAL MYOPATHY. Identifiers: Orphanet 63273, MedGen C3279722, MONDO:0013550, OMIM 614065.
Cardiovascular phenotype. Identifiers: MedGen CN230736.

Allele frequency attached by ClinVar (database versions not stated): gnomAD exomes below 0.00001 and 0.00001; gnomAD 0.00001; TOPMed 0.00001; ExAC 0.00003.
gnomAD v4.1: 7 of 1,613,674 alleles (0.00043%); highest among the groups gnomAD compares: South Asian, 0.0022%; no homozygotes.

Submissions (2):

Ambry Genetics
Classification: Uncertain significance for Cardiovascular phenotype. Last evaluated: 2025-11-10. Review status: criteria provided, single submitter. Criteria: Ambry Variant Classification Scheme 2023. Collection method: clinical testing. Allele origin: germline.
Comment: The p.E2713K variant (also known as c.8137G>A), located in coding exon 48 of the FLNC gene, results from a G to A substitution at nucleotide position 8137. The glutamic acid at codon 2713 is replaced by lysine, an amino acid with similar properties. This amino acid position is conserved. In addition, the in silico prediction for this alteration is inconclusive. Based on the available evidence, the clinical significance of this variant remains unclear.

Labcorp Genetics (formerly Invitae), Labcorp
Classification: Uncertain significance for Distal myopathy with posterior leg and anterior hand involvement; Myofibrillar myopathy 5; Hypertrophic cardiomyopathy 26. Last evaluated: 2025-09-13. Review status: criteria provided, single submitter. Criteria: Invitae Variant Classification Sherloc (09022015). Collection method: clinical testing. Allele origin: germline.
Comment: This sequence change replaces glutamic acid, which is acidic and polar, with lysine, which is basic and polar, at codon 2713 of the FLNC protein (p.Glu2713Lys). This variant is present in population databases (rs758271134, gnomAD 0.007%). This variant has not been reported in the literature in individuals affected with FLNC-related conditions. ClinVar contains an entry for this variant (Variation ID: 1502113). Invitae Evidence Modeling of protein sequence and biophysical properties (such as structural, functional, and spatial information, amino acid conservation, physicochemical variation, residue mobility, and thermodynamic stability) indicates that this missense variant is not expected to disrupt FLNC protein function with a negative predictive value of 95%. In summary, the available evidence is currently insufficient to determine the role of this variant in disease. Therefore, it has been classified as a Variant of Uncertain Significance.

NM_001458.5(FLNC):c.8137G>A (p.Glu2713Lys)

Genes: FLNC (filamin C; plus strand), FLNC-AS1 (FLNC antisense RNA 1; minus strand). Cytogenetic location: 7q32.1.
Variant type: single nucleotide variant.
Coding change: c.8137G>A on transcript NM_001458.5 (MANE Select); coding-DNA position 8137, G replaced by A.
Protein change: p.Glu2713Lys; replaces glutamic acid 2713 with lysine.
Molecular consequence: missense variant.
Genome position (GRCh38, 1-based): chr7:128,858,482, G>A. VCF-style: chr7-128858482-G-A. GRCh37 (hg19) VCF-style: chr7-128498536-G-A.
Other names: c.8137G>A (NM_001458.4); c.8038G>A, p.Glu2680Lys (NM_001127487.2); short protein forms E2680K, E2713K.
Identifiers: ClinVar variation 1502113 (VCV001502113.7), dbSNP rs758271134, ClinGen allele CA4476433.